The following is an entry in ClinVar:

NM_172107.4(KCNQ2):c.645del (p.Gly216fs)

Gene: KCNQ2 (potassium voltage-gated channel subfamily Q member 2; minus strand). Cytogenetic location: 20q13.33.
Variant type: Deletion.
Coding change: c.645del on transcript NM_172107.4 (MANE Select); coding-DNA position 645, one base deleted (A; older notation c.645delA).
Protein change: p.Gly216fs; shifts the reading frame from glycine 216.
Molecular consequence: frameshift variant.
Genome position (GRCh38, 1-based): chr20:63,444,704, T deleted on the plus strand (A on the coding strand, the reverse complement: KCNQ2 is on the minus strand). VCF-style (leftmost placement, unchanged base first): chr20-63444703-CT-C. GRCh37 (hg19) VCF-style: chr20-62076056-CT-C.
Other names: c.645del, p.Gly216fs (NM_001382235.1, NM_004518.6, NM_172106.3 and 2 more transcripts); short protein forms G216fs.
Identifiers: ClinVar variation 4071569 (VCV004071569.2).

ClinVar aggregate classification (germline): Pathogenic (1 of 4 stars; one submission).

Submission:

GeneDx
Classification: Pathogenic. Last evaluated: 2025-08-27. Review status: criteria provided, single submitter. Criteria: GeneDx Variant Classification Process June 2021. Collection method: clinical testing. Allele origin: germline.
Comment: Frameshift variant predicted to result in protein truncation or nonsense mediated decay in a gene for which loss of function is a known mechanism of disease; Not observed at significant frequency in large population cohorts (gnomAD); Has not been previously published as pathogenic or benign to our knowledge